The following is an entry in ClinVar:

ClinVar aggregate classification (germline): Likely pathogenic. Review status: criteria provided, single submitter (1 of 4 stars). 2 submissions from 2 submitters: Likely pathogenic (1). 1 of the submissions does not count toward it. Last evaluated 2025-12-30.

Conditions:
Spongy degeneration of central nervous system. Also called: Canavan disease; AMINOACYLASE 2 DEFICIENCY; ACY2 DEFICIENCY; ASP DEFICIENCY; ASPA DEFICIENCY; ASPARTOACYLASE DEFICIENCY. Identifiers: Orphanet 141, MedGen C0206307, MONDO:0010079, OMIM 271900.

Submissions (2):

Natera, Inc.
Classification: Likely pathogenic for Canavan Disease. Last evaluated: 2025-12-30. Review status: criteria provided, single submitter. Criteria: Natera Variant Classification Schema (03/2026). Collection method: clinical testing. Allele origin: germline.
Comment: The c.924delT variant in ASPA is a frameshift variant predicted to elongate the protein beyond the termination codon. This variant may result in a truncated or dysfunctional protein product. This variant is rare in the general population with a frequency below the threshold expected for the associated phenotype(s). This variant has been observed in one or more individuals affected with the associated recessive disease, as either homozygous or compound heterozygous with a second variant (PMID: 12638939). Given the available evidence, this variant is classified as Likely Pathogenic.

Counsyl
Classification: Likely pathogenic for Spongy degeneration of central nervous system. Last evaluated: 2016-09-22. Review status: no assertion criteria provided. Collection method: clinical testing. Allele origin: unknown. Not counted in ClinVar's aggregate classification.

Literature cited by the submitters: PubMed 12638939 (cited by Natera, Inc.); PubMed 16802711 (cited by Counsyl).

NM_000049.4(ASPA):c.924del (p.Arg309fs)

Genes: ASPA (aspartoacylase; plus strand), SPATA22 (spermatogenesis associated 22; minus strand). Cytogenetic location: 17p13.2.
Variant type: Deletion.
Coding change: c.924del on transcript NM_000049.4 (MANE Select); coding-DNA position 924, one base deleted (T; older notation c.924delT).
Protein change: p.Arg309fs; shifts the reading frame from arginine 309.
Molecular consequence: frameshift variant. On other transcripts: intron variant (2).
Genome position (GRCh38, 1-based): chr17:3,499,070, T deleted; the last of 2 consecutive T bases (chr17:3,499,069-3,499,070); deleting either gives the same sequence. VCF-style (leftmost placement, unchanged base first): chr17-3499068-AT-A. GRCh37 (hg19) VCF-style: chr17-3402362-AT-A.
Other names: c.924delT (NM_000049.2); c.924del, p.Arg309fs (NM_001128085.1); c.-74+14343del (NM_001321336.2, NM_001321337.2); short protein forms R309fs.
Identifiers: ClinVar variation 371424 (VCV000371424.6), dbSNP rs1057517260, ClinGen allele CA16041832.